The following is an entry in ClinVar:

NC_000017.10:g.(?_76120014)_(76120748_?)del

Gene: TMC6 (transmembrane channel like 6; minus strand). Cytogenetic location: 17q25.3.
Variant type: Deletion.
Identifiers: ClinVar variation 3242828 (VCV003242828.1).

ClinVar aggregate classification (germline): Pathogenic (1 of 4 stars; one submission).

Conditions:
Epidermodysplasia verruciformis. Identifiers: Orphanet 302, MedGen C0014522, MONDO:0009176.

Submission:

Labcorp Genetics (formerly Invitae), Labcorp
Classification: Pathogenic for Epidermodysplasia verruciformis. Last evaluated: 2018-04-11. Review status: criteria provided, single submitter. Criteria: Invitae Variant Classification Sherloc (09022015). Collection method: clinical testing. Allele origin: unknown.
Comment: This variant is a gross deletion of the genomic region¬†encompassing the last 144 nucleotides of exon 8 and all of exon 9 of the TMC6 gene¬†(c.748_1082+56del). This likely creates a premature translational stop signal and is expected to result in an absent or disrupted protein product. This variant has not been reported in the literature in individuals with TMC6-related disease. Loss-of-function variants in TMC6 are known to be pathogenic (PMID: 15042430, 17139267). For these reasons, this variant has been classified as Pathogenic.

Literature cited by the submitters: PubMed 15042430; PubMed 17139267.